The following is an entry in ClinVar:

ClinVar aggregate classification (germline): Pathogenic. Review status: criteria provided, multiple submitters, no conflicts (2 of 4 stars). 2 submissions from 2 submitters: Pathogenic (2). Last evaluated 2020-10-23.

Conditions:
Hereditary spastic paraplegia 4. Also called: Spastic Paraplegia 4; Familial spastic paraplegia autosomal dominant 2; Spastic paraplegia 4, autosomal dominant. Identifiers: Orphanet 100985, MedGen C1866855, MONDO:0008438, OMIM 182601.

Submissions (2):

Institute of Medical Genetics and Applied Genomics, University Hospital Tübingen
Classification: Pathogenic. Last evaluated: 2020-10-23. Review status: criteria provided, single submitter. Criteria: ACMG Guidelines, 2015. Collection method: clinical testing. Allele origin: germline. Inheritance: Unknown mechanism. Affected: yes.

Labcorp Genetics (formerly Invitae), Labcorp
Classification: Pathogenic for Hereditary spastic paraplegia 4. Last evaluated: 2019-11-18. Review status: criteria provided, single submitter. Criteria: Invitae Variant Classification Sherloc (09022015). Collection method: clinical testing. Allele origin: germline.
Comment: This sequence change creates a premature translational stop signal (p.Ala394Glnfs*2) in the SPAST gene. It is expected to result in an absent or disrupted protein product. This variant is not present in population databases (ExAC no frequency). For these reasons, this variant has been classified as Pathogenic. Loss-of-function variants in SPAST are known to be pathogenic (PMID: 20932283). This variant has been observed in individual(s) with hereditary spastic paraplegia (PMID: 16832076).

Literature cited by the submitters: PubMed 20932283 (cited by Labcorp Genetics (formerly Invitae), Labcorp); PubMed 16832076 (cited by Labcorp Genetics (formerly Invitae), Labcorp).

NM_014946.4(SPAST):c.1180del (p.Ala394fs)

Gene: SPAST (spastin; plus strand). Cytogenetic location: 2p22.3.
Variant type: Deletion.
Coding change: c.1180del on transcript NM_014946.4 (MANE Select); coding-DNA position 1180, one base deleted (G; older notation c.1180delG).
Protein change: p.Ala394fs; shifts the reading frame from alanine 394.
Molecular consequence: frameshift variant.
Genome position (GRCh38, 1-based): chr2:32,128,414, G deleted. VCF-style (leftmost placement, unchanged base first): chr2-32128413-AG-A. GRCh37 (hg19) VCF-style: chr2-32353482-AG-A.
Other names: c.1177del, p.Ala393fs (NM_001363823.2); c.1081del, p.Ala361fs (NM_001363875.2); c.1084del, p.Ala362fs (NM_001377959.1, NM_199436.2); short protein forms A394fs, A362fs, A393fs, A361fs.
Identifiers: ClinVar variation 847036 (VCV000847036.11), dbSNP rs1679263902, ClinGen allele CA916082175.